The following is an entry in ClinVar:

ClinVar aggregate classification (germline): Uncertain significance. Review status: criteria provided, multiple submitters, no conflicts (2 of 4 stars). 4 submissions from 4 submitters: Uncertain significance (4). Last evaluated 2024-03-06.

Conditions:
Central core myopathy (CMYO1A). Also called: Central core disease; Myopathy, central fibrillar; CONGENITAL MYOPATHY 1A, AUTOSOMAL DOMINANT, WITH SUSCEPTIBILITY TO MALIGNANT HYPERTHERMIA. Identifiers: Orphanet 597, MedGen C5830701, MONDO:0007294, OMIM 117000.
King Denborough syndrome (KDS). Identifiers: MedGen C1840365, MONDO:0020485, OMIM 619542.
Malignant hyperthermia, susceptibility to, 1 (MHS1). Also called: RYR1-Related Malignant Hyperthermia Susceptibility; Anesthesia related hyperthermia; Malignant hyperpyrexia; Fulminating hyperpyrexia; Pharmacogenic myopathy; Malignant hyperthermia suceptibility 1. Identifiers: Orphanet 423, MedGen C2930980, MONDO:0007783, OMIM 145600.
Congenital multicore myopathy with external ophthalmoplegia (CMYO1B). Also called: Minicore myopathy with external ophthalmoplegia; MULTIMINICORE DISEASE WITH EXTERNAL OPHTHALMOPLEGIA; Congenital myopathy 1B, autosomal recessive; Minicore myopathy; MULTICORE MYOPATHY. Identifiers: Orphanet 598, Orphanet 98905, MedGen C1850674, MONDO:0009712, OMIM 255320, HP:0003789.
Congenital myopathy with fiber type disproportion. Also called: Congenital fiber-type disproportion myopathy; Congenital fiber-type disproportion. Identifiers: Orphanet 2020, MedGen C0546264, MONDO:0009711. Inheritance: all.
RYR1-related disorder. Also called: RYR1-related disorders; RYR1-related condition. Identifiers: MedGen CN239331.

Allele frequency attached by ClinVar (database versions not stated): ExAC 0.00001; gnomAD 0.00002; gnomAD exomes 0.00002; TOPMed 0.00002.
gnomAD v4.1: 12 of 1,613,974 alleles (0.00074%); highest among the groups gnomAD compares: African/African-American, 0.004%; no homozygotes.

Submissions (4):

Color Diagnostics, LLC DBA Color Health
Classification: Uncertain significance for Malignant hyperthermia, susceptibility to, 1. Last evaluated: 2024-03-06. Review status: criteria provided, single submitter. Criteria: ACMG Guidelines, 2015. Collection method: clinical testing. Allele origin: germline.
Comment: This missense variant replaces aspartic acid with asparagine at codon 2713 of the RYR1 protein. Computational prediction suggests that this variant may not impact protein structure and function. To our knowledge, functional studies have not been reported for this variant. This variant has not been reported in individuals affected with RYR1-related disorders in the literature. This variant has been identified in 5/282834 chromosomes in the general population by the Genome Aggregation Database (gnomAD). The available evidence is insufficient to determine the role of this variant in disease conclusively. Therefore, this variant is classified as a Variant of Uncertain Significance.

All of Us Research Program, National Institutes of Health
Classification: Uncertain significance for Malignant hyperthermia, susceptibility to, 1. Last evaluated: 2023-12-13. Review status: criteria provided, single submitter. Criteria: ACMG Guidelines, 2015. Collection method: clinical testing. Allele origin: germline. Inheritance: Autosomal dominant inheritance. Observed: 2 variant alleles, 2 heterozygotes.
Comment: This missense variant replaces aspartic acid with asparagine at codon 2713 of the RYR1 protein. Computational prediction suggests that this variant may not impact protein structure and function (internally defined REVEL score threshold <= 0.5, PMID: 27666373). To our knowledge, functional studies have not been reported for this variant. This variant has not been reported in individuals affected with RYR1-related disorders in the literature. This variant has been identified in 5/282834 chromosomes in the general population by the Genome Aggregation Database (gnomAD). The available evidence is insufficient to determine the role of this variant in disease conclusively. Therefore, this variant is classified as a Variant of Uncertain Significance.

This study involves interpretation of variants in research participants for the purpose of population health screening. Participant phenotype was not available at the time of variant classification. Additional details can be found in publication PMID: 35346344, PMCID: PMC8962531

Fulgent Genetics
Classification: Uncertain significance for Central core myopathy; Malignant hyperthermia, susceptibility to, 1; Congenital myopathy 4A, autosomal dominant; Congenital multicore myopathy with external ophthalmoplegia; King Denborough syndrome. Last evaluated: 2021-08-09. Review status: criteria provided, single submitter. Criteria: ACMG Guidelines, 2015. Collection method: clinical testing. Allele origin: unknown.

Labcorp Genetics (formerly Invitae), Labcorp
Classification: Uncertain significance for RYR1-Related Disorders. Last evaluated: 2018-09-25. Review status: criteria provided, single submitter. Criteria: Invitae Variant Classification Sherloc (09022015). Collection method: clinical testing. Allele origin: germline.
Comment: This sequence change replaces aspartic acid with asparagine at codon 2713 of the RYR1 protein (p.Asp2713Asn). The aspartic acid residue is highly conserved and there is a small physicochemical difference between aspartic acid and asparagine. This variant is present in population databases (rs765571437, ExAC 0.01%). This variant has not been reported in the literature in individuals with RYR1-related disease. Algorithms developed to predict the effect of missense changes on protein structure and function are either unavailable or do not agree on the potential impact of this missense change (SIFT: "Deleterious"; PolyPhen-2: "Benign"; Align-GVGD: "Class C0"). In summary, the available evidence is currently insufficient to determine the role of this variant in disease. Therefore, it has been classified as a Variant of Uncertain Significance.

NM_000540.3(RYR1):c.8137G>A (p.Asp2713Asn)

Gene: RYR1 (ryanodine receptor 1; plus strand). Cytogenetic location: 19q13.2.
Variant type: single nucleotide variant.
Coding change: c.8137G>A on transcript NM_000540.3 (MANE Select); coding-DNA position 8137, G replaced by A.
Protein change: p.Asp2713Asn; replaces aspartic acid 2713 with asparagine.
Molecular consequence: missense variant.
Genome position (GRCh38, 1-based): chr19:38,504,817, G>A. VCF-style: chr19-38504817-G-A. GRCh37 (hg19) VCF-style: chr19-38995457-G-A.
Other names: c.8137G>A, p.Asp2713Asn (NM_001042723.2); short protein forms D2713N.
Identifiers: ClinVar variation 653809 (VCV000653809.4), dbSNP rs765571437, ClinGen allele CA071532.